The following is an entry in ClinVar:

ClinVar aggregate classification (germline): Uncertain significance. Review status: criteria provided, multiple submitters, no conflicts (2 of 4 stars). 2 submissions from 2 submitters: Uncertain significance (2). Last evaluated 2025-07-21.

Conditions:
Hereditary cancer-predisposing syndrome. Also called: Tumor predisposition; Hereditary Cancer Syndrome; Neoplastic Syndromes, Hereditary; Hereditary neoplastic syndrome. Identifiers: Orphanet 140162, MedGen C0027672, MeSH D009386, MONDO:0015356.
Renal cell carcinoma. Identifiers: Orphanet 217071, MedGen C0007134, MeSH D002292, MONDO:0005086, HP:0005584.

Allele frequency attached by ClinVar (database versions not stated): gnomAD exomes below 0.00001; ExAC 0.00001.
gnomAD v4.1: 1 of 1,613,798 alleles (0.000062%); highest among the groups gnomAD compares: Admixed American, 0.0017%; no homozygotes.

Submissions (2):

Labcorp Genetics (formerly Invitae), Labcorp
Classification: Uncertain significance for Renal cell carcinoma. Last evaluated: 2025-07-21. Review status: criteria provided, single submitter. Criteria: Invitae Variant Classification Sherloc (09022015). Collection method: clinical testing. Allele origin: germline.
Comment: This sequence change replaces glycine, which is neutral and non-polar, with valine, which is neutral and non-polar, at codon 939 of the MET protein (p.Gly939Val). The frequency data for this variant in the population databases is considered unreliable, as metrics indicate poor data quality at this position in the gnomAD database. This variant has not been reported in the literature in individuals affected with MET-related conditions. ClinVar contains an entry for this variant (Variation ID: 1796383). Invitae Evidence Modeling of protein sequence and biophysical properties (such as structural, functional, and spatial information, amino acid conservation, physicochemical variation, residue mobility, and thermodynamic stability) indicates that this missense variant is expected to disrupt MET protein function with a positive predictive value of 80%. In summary, the available evidence is currently insufficient to determine the role of this variant in disease. Therefore, it has been classified as a Variant of Uncertain Significance.

Ambry Genetics
Classification: Uncertain significance for Hereditary cancer-predisposing syndrome. Last evaluated: 2022-01-06. Review status: criteria provided, single submitter. Criteria: Ambry Variant Classification Scheme 2023. Collection method: clinical testing. Allele origin: germline.
Comment: The p.G939V variant (also known as c.2816G>T), located in coding exon 12 of the MET gene, results from a G to T substitution at nucleotide position 2816. The glycine at codon 939 is replaced by valine, an amino acid with dissimilar properties. This amino acid position is highly conserved in available vertebrate species. In addition, this alteration is predicted to be deleterious by in silico analysis. Since supporting evidence is limited at this time, the clinical significance of this alteration remains unclear.

NM_000245.4(MET):c.2762G>T (p.Gly921Val)

Gene: MET (MET proto-oncogene, receptor tyrosine kinase; plus strand). Cytogenetic location: 7q31.2.
Variant type: single nucleotide variant.
Coding change: c.2762G>T on transcript NM_000245.4 (MANE Select); coding-DNA position 2762, G replaced by T.
Protein change: p.Gly921Val; replaces glycine 921 with valine.
Molecular consequence: missense variant.
Genome position (GRCh38, 1-based): chr7:116,771,529, G>T. VCF-style: chr7-116771529-G-T. GRCh37 (hg19) VCF-style: chr7-116411583-G-T.
Other names: c.2816G>T, p.Gly939Val (NM_001127500.3); c.1472G>T, p.Gly491Val (NM_001324402.2); short protein forms G491V, G939V, G921V.
Identifiers: ClinVar variation 1796383 (VCV001796383.5), dbSNP rs769721494, ClinGen allele CA4448585.